The following is an entry in ClinVar:

NM_001282933.2(ZNF341):c.619C>A (p.Pro207Thr)

Gene: ZNF341 (zinc finger protein 341; plus strand). Cytogenetic location: 20q11.22.
Variant type: single nucleotide variant.
Coding change: c.619C>A on transcript NM_001282933.2 (MANE Select); coding-DNA position 619, C replaced by A.
Protein change: p.Pro207Thr; replaces proline 207 with threonine.
Molecular consequence: missense variant. On other transcripts: non-coding transcript variant (1).
Genome position (GRCh38, 1-based): chr20:33,753,301, C>A. VCF-style: chr20-33753301-C-A. GRCh37 (hg19) VCF-style: chr20-32341107-C-A.
Other names: c.349C>A, p.Pro117Thr (NM_001282935.2); c.619C>A, p.Pro207Thr (NM_032819.5); c.619C>A (NM_032819.3); short protein forms P117T, P207T.
Identifiers: ClinVar variation 1511357 (VCV001511357.4), dbSNP rs569450704, ClinGen allele CA408649850.

ClinVar aggregate classification (germline): Uncertain significance. Review status: criteria provided, multiple submitters, no conflicts (2 of 4 stars). 2 submissions from 2 submitters: Uncertain significance (2). Last evaluated 2025-01-22.

gnomAD v4.1: 7 of 1,611,846 alleles (0.00043%); highest among the groups gnomAD compares: East Asian, 0.0022%; no homozygotes.

Submissions (2):

Ambry Genetics
Classification: Uncertain significance. Last evaluated: 2025-01-22. Review status: criteria provided, single submitter. Criteria: Ambry Variant Classification Scheme 2023. Collection method: clinical testing. Allele origin: germline.

Labcorp Genetics (formerly Invitae), Labcorp
Classification: Uncertain significance. Last evaluated: 2021-10-14. Review status: criteria provided, single submitter. Criteria: Invitae Variant Classification Sherloc (09022015). Collection method: clinical testing. Allele origin: germline.
Comment: This sequence change replaces proline with threonine at codon 207 of the ZNF341 protein (p.Pro207Thr). The proline residue is moderately conserved and there is a small physicochemical difference between proline and threonine. This variant is not present in population databases (ExAC no frequency). This variant has not been reported in the literature in individuals affected with ZNF341-related conditions. Algorithms developed to predict the effect of missense changes on protein structure and function output the following: SIFT: "Tolerated"; PolyPhen-2: "Benign"; Align-GVGD: "Class C0". The threonine amino acid residue is found in multiple mammalian species, which suggests that this missense change does not adversely affect protein function. In summary, the available evidence is currently insufficient to determine the role of this variant in disease. Therefore, it has been classified as a Variant of Uncertain Significance.